The following is an entry in ClinVar:

NM_001165963.4(SCN1A):c.3793C>A (p.Leu1265Met)

Genes: SCN1A (sodium voltage-gated channel alpha subunit 1; minus strand), LOC102724058 (uncharacterized LOC102724058; plus strand). Cytogenetic location: 2q24.3.
Variant type: single nucleotide variant.
Coding change: c.3793C>A on transcript NM_001165963.4 (MANE Select); coding-DNA position 3793, C replaced by A.
Protein change: p.Leu1265Met; replaces leucine 1265 with methionine.
Molecular consequence: missense variant. On other transcripts: non-coding transcript variant (1).
Genome position (GRCh38, 1-based): chr2:166,012,195, G>T on the plus strand (C>A on the coding strand, the complement: SCN1A is on the minus strand). VCF-style: chr2-166012195-G-T. GRCh37 (hg19) VCF-style: chr2-166868705-G-T.
Other names: c.3709C>A, p.Leu1237Met (NM_001165964.3, NM_001353957.2, NM_001353958.2); c.3793C>A, p.Leu1265Met (NM_001202435.3, NM_001353948.2); c.3760C>A, p.Leu1254Met (NM_001353949.2, NM_001353950.2, NM_001353951.2 and 2 more transcripts); c.3757C>A, p.Leu1253Met (NM_001353954.2, NM_001353955.2); c.3706C>A, p.Leu1236Met (NM_001353960.2); c.1351C>A, p.Leu451Met (NM_001353961.2); short protein forms L1236M, L1237M, L1253M, L1254M, L1265M, L451M.
Identifiers: ClinVar variation 2430162 (VCV002430162.2), dbSNP rs781526618, ClinGen allele CA349054328.

ClinVar aggregate classification (germline): Likely pathogenic (1 of 4 stars; one submission).

Conditions:
Developmental and epileptic encephalopathy 6B. Also called: Developmental and epileptic encephalopathy 6B, non-Dravet. Identifiers: MedGen C5543353, MONDO:0030268, OMIM 619317.

gnomAD v4.1: 1 of 1,609,988 alleles (0.000062%); highest among the groups gnomAD compares: Non-Finnish European, 0.000085%; no homozygotes.

Submission:

Lifecell International Pvt. Ltd
Classification: Likely pathogenic for Developmental and epileptic encephalopathy 6B. Review status: criteria provided, single submitter. Criteria: ACMG Guidelines, 2015. Collection method: clinical testing. Allele origin: germline. Inheritance: Autosomal dominant inheritance. Affected: yes. Observed: 1 heterozygote.
Comment: "The missense variant NM_001165963.4(SCN1A):c.3793C>A (p.Leu1265Met) has not been reported previously as a pathogenic variant nor as a benign variant, to our knowledge. The p.Leu1265Met variant is novel (not in any individuals) in gnomAD. The p.Leu1265Met variant is novel (not in any individuals) in 1kG. The Missense Variants Z-Score for this variant is 5.22. Missense Variants Z-Score is produced by the Exome Aggregation Consortium (60,706 adult humans) by computing a signed Z score for the deviation of observed counts from the expected number. Positive Z scores indicate increased constraint (intolerance to variation) and therefore that the gene had fewer missense variants than expected. (DOI: 10.1038/nature19057). The Missense Badness and MPC scores for this variant is 0.32 and 1.50 respectively. Missense Badness Score is the normalized fold difference of missense substitutions between observed and expected variants from ExAC dataset. This score is then combined with orthogonal deleteriousness metrics into one score called MPC (for Missense badness, PolyPhen-2, and Constraint) designed to classify whether a missense variants is deleterious. Variants with MPC ≥ 2 have a rate nearly 6 times higher in cases than in controls. While those with intermediate MPC values (1 ≤ MPC < 2) have a more modest excess in cases. The gene SCN1A contains 452 pathogenic missense variants, indicating that missense variants are a common mechanism of disease in this gene. 2 variants within 6 amino acid positions of the variant p.Leu1265Met have been shown to be pathogenic, while none have been shown to be benign. The p.Leu1265Met missense variant is predicted to be damaging by both SIFT and PolyPhen2. The leucine residue at codon 1265 of SCN1A is conserved in all mammalian species. The nucleotide c.3793 in SCN1A is predicted conserved by GERP++ and PhyloP across 100 vertebrates. For these reasons, this variant has been classified as Likely Pathogenic."